The following is an entry in ClinVar:

NM_198578.4(LRRK2):c.2303A>G (p.Glu768Gly)

Gene: LRRK2 (leucine rich repeat kinase 2; plus strand). Cytogenetic location: 12q12.
Variant type: single nucleotide variant.
Coding change: c.2303A>G on transcript NM_198578.4 (MANE Select); coding-DNA position 2303, A replaced by G.
Protein change: p.Glu768Gly; replaces glutamic acid 768 with glycine.
Molecular consequence: missense variant.
Genome position (GRCh38, 1-based): chr12:40,283,936, A>G. VCF-style: chr12-40283936-A-G. GRCh37 (hg19) VCF-style: chr12-40677738-A-G.
Other names: short protein forms E768G.
Identifiers: ClinVar variation 1789319 (VCV001789319.2), dbSNP rs2499664092, ClinGen allele CA384406450.

ClinVar aggregate classification (germline): Uncertain significance (1 of 4 stars; one submission).

Conditions:
Inborn genetic diseases. Identifiers: MedGen C0950123, MeSH D030342.

Submission:

Ambry Genetics
Classification: Uncertain significance for Inborn genetic diseases. Last evaluated: 2022-02-06. Review status: criteria provided, single submitter. Criteria: Ambry Variant Classification Scheme 2023. Collection method: clinical testing. Allele origin: germline.
Comment: The p.E768G variant (also known as c.2303A>G), located in coding exon 19 of the LRRK2 gene, results from an A to G substitution at nucleotide position 2303. The glutamic acid at codon 768 is replaced by glycine, an amino acid with similar properties. This amino acid position is conserved. In addition, the in silico prediction for this alteration is inconclusive. Since supporting evidence is limited at this time, the clinical significance of this alteration remains unclear.